The following is an entry in ClinVar:

NM_001127198.5(TMC6):c.1383+67C>G

Gene: TMC6 (transmembrane channel like 6; minus strand). Cytogenetic location: 17q25.3.
Variant type: single nucleotide variant.
Coding change: c.1383+67C>G on transcript NM_001127198.5 (MANE Select); 67 bases into the intron after coding-DNA position 1383, C replaced by G.
Molecular consequence: intron variant.
Genome position (GRCh38, 1-based): chr17:78,121,489, G>C on the plus strand (C>G on the coding strand, the complement: TMC6 is on the minus strand). VCF-style: chr17-78121489-G-C. GRCh37 (hg19) VCF-style: chr17-76117570-G-C.
Other names: c.1383+67C>G (NM_001374594.1, NM_001374596.1, NM_001374593.1 and 4 more transcripts).
Identifiers: ClinVar variation 1277806 (VCV001277806.4), dbSNP rs2613520, ClinGen allele CA14412266.
Genomic context (GRCh38, chr17:78,121,489, plus strand): 5'-AGCGTACGTGGCACCCTGGGCTGGCTGGGTGGAGGAGGAGAGGCAAGGCTGCCTCCCCAG[G>C]GGGCAGGTGCCCAGAGTCACTGGGGACACGTTCCAAGCAAGGGCCAGGCTCCCCCCATCC-3'

ClinVar aggregate classification (germline): Benign. Review status: criteria provided, multiple submitters, no conflicts (2 of 4 stars). 3 submissions from 3 submitters: Benign (3). Last evaluated 2024-01-24.

Allele frequency attached by ClinVar (database versions not stated): gnomAD 0.22258 and 0.22279; TOPMed 0.23113; 1000 Genomes Project 0.24820; 1000 Genomes Project 30x 0.25047.
gnomAD v4.1: 323,772 of 1,605,008 alleles (20%); highest among the groups gnomAD compares: Admixed American, 26%; 33,506 homozygotes.

Submissions (3):

Unidad de Genómica Garrahan, Hospital de Pediatría Garrahan
Classification: Benign. Last evaluated: 2024-01-24. Review status: criteria provided, single submitter. Criteria: ACMG Guidelines, 2015. Collection method: clinical testing. Allele origin: germline. Affected: no. Observed: 44 variant alleles.
Comment: This variant is classified as Benign based on local population frequency. This variant was detected in 50% of patients studied by a panel of primary immunodeficiencies. Number of patients: 44. Only high quality variants are reported.

GeneDx
Classification: Benign. Last evaluated: 2018-07-09. Review status: criteria provided, single submitter. Criteria: GeneDx Variant Classification Process June 2021. Collection method: clinical testing. Allele origin: germline. Affected: yes.

Breakthrough Genomics
Classification: Benign. Review status: criteria provided, single submitter. Criteria: ACMG Guidelines, 2015. Collection method: not provided. Allele origin: germline. Inheritance: Autosomal recessive inheritance. Affected: yes.